The following is an entry in ClinVar:

NM_003743.5(NCOA1):c.1287C>T (p.Ser429=)

Gene: NCOA1 (nuclear receptor coactivator 1; plus strand). Cytogenetic location: 2p23.3.
Variant type: single nucleotide variant.
Coding change: c.1287C>T on transcript NM_003743.5 (MANE Select); coding-DNA position 1287, C replaced by T.
Protein change: p.Ser429=; no amino-acid change (serine 429 retained).
Molecular consequence: synonymous variant.
Genome position (GRCh38, 1-based): chr2:24,706,757, C>T. VCF-style: chr2-24706757-C-T. GRCh37 (hg19) VCF-style: chr2-24929626-C-T.
Other names: c.1287C>T, p.Ser429= (NM_001362950.1, NM_001362952.1, NM_001362954.1 and 3 more transcripts).
Identifiers: ClinVar variation 3035801 (VCV003035801.2), dbSNP rs373568149, ClinGen allele CA1552228.
Genomic context (GRCh38, chr2:24,706,757, plus strand): 5'-CAACAGCAACATGGTATCCACCAGAATAAACCGCCAGCAGAGCTCAGACCTTCATAGCAG[C>T]AGTCATAGTAATTCTAGCAACAGCCAAGGAAGTTTCGGATGCTCACCCGGAAGTCAGATT-3'
Protein context (NP_003734.3, residues 419-439): NRQQSSDLHS[Ser429=]SHSNSSNSQG

ClinVar aggregate classification (germline): Likely benign (0 of 4 stars; one submission).

Conditions:
NCOA1-related disorder. Also called: NCOA1-related condition.

Allele frequency attached by ClinVar (database versions not stated): ExAC 0.00005; gnomAD exomes 0.00005; ESP Exome Variant Server 0.00008.

Submission:

PreventionGenetics, part of Exact Sciences
Classification: Likely benign for NCOA1-related condition. Last evaluated: 2020-06-11. Review status: no assertion criteria provided. Collection method: clinical testing. Allele origin: germline.
Comment: This variant is classified as likely benign based on ACMG/AMP sequence variant interpretation guidelines (Richards et al. 2015 PMID: 25741868, with internal and published modifications).